The following is an entry in ClinVar:

ClinVar aggregate classification (germline): Uncertain significance (1 of 4 stars; one submission).

Submission:

Labcorp Genetics (formerly Invitae), Labcorp
Classification: Uncertain significance. Last evaluated: 2022-03-06. Review status: criteria provided, single submitter. Criteria: Invitae Variant Classification Sherloc (09022015). Collection method: clinical testing. Allele origin: germline.
Comment: This variant has not been reported in the literature in individuals affected with YME1L1-related conditions. Algorithms developed to predict the effect of missense changes on protein structure and function are either unavailable or do not agree on the potential impact of this missense change (SIFT: "Deleterious"; PolyPhen-2: "Probably Damaging"; Align-GVGD: "Class C0"). In summary, the available evidence is currently insufficient to determine the role of this variant in disease. Therefore, it has been classified as a Variant of Uncertain Significance. This variant is not present in population databases (gnomAD no frequency). This sequence change replaces leucine, which is neutral and non-polar, with serine, which is neutral and polar, at codon 770 of the YME1L1 protein (p.Leu770Ser).

NM_014263.4(YME1L1):c.2138T>C (p.Leu713Ser)

Gene: YME1L1 (YME1 like 1 ATPase; minus strand). Cytogenetic location: 10p12.1.
Variant type: single nucleotide variant.
Coding change: c.2138T>C on transcript NM_014263.4 (MANE Select); coding-DNA position 2138, T replaced by C.
Protein change: p.Leu713Ser; replaces leucine 713 with serine.
Molecular consequence: missense variant.
Genome position (GRCh38, 1-based): chr10:27,111,990, A>G on the plus strand (T>C on the coding strand, the complement: YME1L1 is on the minus strand). VCF-style: chr10-27111990-A-G. GRCh37 (hg19) VCF-style: chr10-27400919-A-G.
Other names: c.2039T>C, p.Leu680Ser (NM_001253866.2); c.2309T>C, p.Leu770Ser (NM_139312.3); short protein forms L770S, L680S, L713S.
Identifiers: ClinVar variation 2103883 (VCV002103883.4), dbSNP rs2539397716, ClinGen allele CA376365676.